The following is an entry in ClinVar:

NM_002872.5(RAC2):c.81C>G (p.Ala27=)

Gene: RAC2 (Rac family small GTPase 2; minus strand). Cytogenetic location: 22q13.1.
Variant type: single nucleotide variant.
Coding change: c.81C>G on transcript NM_002872.5 (MANE Select); coding-DNA position 81, C replaced by G.
Protein change: p.Ala27=; no amino-acid change (alanine 27 retained).
Molecular consequence: synonymous variant.
Genome position (GRCh38, 1-based): chr22:37,241,613, G>C on the plus strand (C>G on the coding strand, the complement: RAC2 is on the minus strand). VCF-style: chr22-37241613-G-C. GRCh37 (hg19) VCF-style: chr22-37637653-G-C.
Other names: p.A27A:GCC>GCG; p.Ala27=; c.81C>G (LRG_97t1).
Identifiers: ClinVar variation 138865 (VCV000138865.16), dbSNP rs2239774, ClinGen allele CA293019.

ClinVar aggregate classification (germline): Benign/Likely benign. Review status: criteria provided, multiple submitters, no conflicts (2 of 4 stars). 9 submissions from 7 submitters: Benign (8); Likely benign (1). Last evaluated 2026-02-04.

Conditions:
Immunodeficiency 73b with defective neutrophil chemotaxis and lymphopenia. Identifiers: MedGen C5436549, MONDO:0033554, OMIM 618986.
Immunodeficiency 73c with defective neutrophil chemotaxis and hypogammaglobulinemia. Identifiers: MedGen C5436550, MONDO:0033555, OMIM 618987.
Neutrophil immunodeficiency syndrome. Also called: Immunodeficiency 73A with defective neutrophil chemotaxis and leukocytosis. Identifiers: Orphanet 183707, MedGen C1842398, MONDO:0011988, OMIM 608203.

Allele frequency attached by ClinVar (database versions not stated): ExAC 0.15473; gnomAD 0.15604; ESP Exome Variant Server 0.15639; TOPMed 0.15893; 1000 Genomes Project 30x 0.18629; 1000 Genomes Project 0.18970.
gnomAD v4.1: 236,985 of 1,613,244 alleles (15%); highest among the groups gnomAD compares: East Asian, 23%; 18,204 homozygotes.

Submissions (9):

Labcorp Genetics (formerly Invitae), Labcorp
Classification: Benign for Neutrophil immunodeficiency syndrome. Last evaluated: 2026-02-04. Review status: criteria provided, single submitter. Criteria: Invitae Variant Classification Sherloc (09022015). Collection method: clinical testing. Allele origin: germline.

Women's Health and Genetics/Laboratory Corporation of America, LabCorp
Classification: Benign. Last evaluated: 2026-01-21. Review status: criteria provided, single submitter. Criteria: LabCorp Variant Classification Summary - May 2015. Collection method: clinical testing. Allele origin: germline.

Blueprint Genetics
Classification: Likely benign. Last evaluated: 2024-11-28. Review status: criteria provided, single submitter. Criteria: ACMG Guidelines, 2015. Collection method: clinical testing. Allele origin: germline.

Genome-Nilou Lab
Classification: Benign for Immunodeficiency 73c with defective neutrophil chemotaxis and hypogammaglobulinemia. Last evaluated: 2021-11-07. Review status: criteria provided, single submitter. Criteria: ACMG Guidelines, 2015. Collection method: clinical testing. Allele origin: germline. Affected: no.

Genome-Nilou Lab
Classification: Benign for Neutrophil immunodeficiency syndrome. Last evaluated: 2021-11-07. Review status: criteria provided, single submitter. Criteria: ACMG Guidelines, 2015. Collection method: clinical testing. Allele origin: germline. Affected: no.

Genome-Nilou Lab
Classification: Benign for Immunodeficiency 73b with defective neutrophil chemotaxis and lymphopenia. Last evaluated: 2021-11-07. Review status: criteria provided, single submitter. Criteria: ACMG Guidelines, 2015. Collection method: clinical testing. Allele origin: germline. Affected: no.

Mayo Clinic Laboratories, Mayo Clinic
Classification: Benign. Last evaluated: 2018-04-30. Review status: criteria provided, single submitter. Criteria: ACMG Guidelines, 2015. Collection method: clinical testing. Allele origin: germline. Observed: 433 variant alleles.

GeneDx
Classification: Benign. Last evaluated: 2013-01-07. Review status: criteria provided, single submitter. Criteria: GeneDx Variant Classification (06012015). Collection method: clinical testing. Allele origin: germline. Affected: yes.
Comment: This variant is considered likely benign or benign based on one or more of the following criteria: it is a conservative change, it occurs at a poorly conserved position in the protein, it is predicted to be benign by multiple in silico algorithms, and/or has population frequency not consistent with disease.

Breakthrough Genomics
Classification: Benign. Review status: criteria provided, single submitter. Criteria: ACMG Guidelines, 2015. Collection method: not provided. Allele origin: germline. Inheritance: Autosomal recessive inheritance. Affected: yes.